The following is an entry in ClinVar:

ClinVar aggregate classification (germline): Likely benign. Review status: criteria provided, single submitter (1 of 4 stars). 3 submissions from 3 submitters: Likely benign (1). 2 of the submissions do not count toward it. Last evaluated 2026-01-21.

Conditions:
TH-related disorder. Also called: TH-related condition.
TH-deficient dopa-responsive dystonia. Also called: Tyrosine Hydroxylase-Deficient Dopa-Responsive Dystonia; DYT-TH; Segawa syndrome, autosomal recessive. Identifiers: Orphanet 101150, MedGen C2673535, MONDO:0011551, OMIM 605407.

Allele frequency attached by ClinVar (database versions not stated): gnomAD 0.00010; TOPMed 0.00004; ESP Exome Variant Server 0.00008.
gnomAD v4.1: 61 of 1,541,836 alleles (0.004%); highest among the groups gnomAD compares: African/African-American, 0.0098%; no homozygotes.

Submissions (3):

Labcorp Genetics (formerly Invitae), Labcorp
Classification: Likely benign for TH-deficient dopa-responsive dystonia. Last evaluated: 2026-01-21. Review status: criteria provided, single submitter. Criteria: Invitae Variant Classification Sherloc (09022015). Collection method: clinical testing. Allele origin: germline.

PreventionGenetics, part of Exact Sciences
Classification: Likely benign for TH-related condition. Last evaluated: 2020-04-29. Review status: no assertion criteria provided. Collection method: clinical testing. Allele origin: germline. Not counted in ClinVar's aggregate classification.
Comment: This variant is classified as likely benign based on ACMG/AMP sequence variant interpretation guidelines (Richards et al. 2015 PMID: 25741868, with internal and published modifications).

Natera, Inc.
Classification: Uncertain significance for Autosomal recessive Segawa syndrome. Last evaluated: 2020-01-24. Review status: no assertion criteria provided. Collection method: clinical testing. Allele origin: germline. Not counted in ClinVar's aggregate classification.

NM_000360.4(TH):c.1389G>A (p.Thr463=)

Gene: TH (tyrosine hydroxylase; minus strand). Cytogenetic location: 11p15.5.
Variant type: single nucleotide variant.
Coding change: c.1389G>A on transcript NM_000360.4 (MANE Select); coding-DNA position 1389, G replaced by A.
Protein change: p.Thr463=; no amino-acid change (threonine 463 retained).
Molecular consequence: synonymous variant.
Genome position (GRCh38, 1-based): chr11:2,164,338, C>T on the plus strand (G>A on the coding strand, the complement: TH is on the minus strand). VCF-style: chr11-2164338-C-T. GRCh37 (hg19) VCF-style: chr11-2185568-C-T.
Other names: c.1482G>A, p.Thr494= (NM_199292.3); c.1470G>A, p.Thr490= (NM_199293.3).
Identifiers: ClinVar variation 699902 (VCV000699902.13), dbSNP rs370029424, ClinGen allele CA5818256.
Genomic context (GRCh38, chr11:2,164,338, plus strand): 5'-CTGGACACCCTCCAGGGAGCGCCGCACGGCCTGGGGGCTGTCCAGCACGTCGATGGCCAG[C>T]GTGTACGGGTCGAACTTCACGGAGAAGGGGCGCTGGATGCGTGAGGCATAGCTCCTGGGG-3'
Protein context (NP_000351.2, residues 453-473): RPFSVKFDPY[Thr463=]LAIDVLDSPQ